The following is an entry in ClinVar:

ClinVar aggregate classification (germline): Uncertain significance (1 of 4 stars; one submission).

Submission:

Labcorp Genetics (formerly Invitae), Labcorp
Classification: Uncertain significance. Last evaluated: 2025-10-18. Review status: criteria provided, single submitter. Criteria: Invitae Variant Classification Sherloc (09022015). Collection method: clinical testing. Allele origin: germline.
Comment: This sequence change replaces histidine, which is basic and polar, with tyrosine, which is neutral and polar, at codon 307 of the INTU protein (p.His307Tyr). This variant is present in population databases (rs367755783, gnomAD 0.002%). This variant has not been reported in the literature in individuals affected with INTU-related conditions. Invitae Evidence Modeling of protein sequence and biophysical properties (such as structural, functional, and spatial information, amino acid conservation, physicochemical variation, residue mobility, and thermodynamic stability) indicates that this missense variant is expected to disrupt INTU protein function with a positive predictive value of 80%. In summary, the available evidence is currently insufficient to determine the role of this variant in disease. Therefore, it has been classified as a Variant of Uncertain Significance.

NM_015693.4(INTU):c.919C>T (p.His307Tyr)

Gene: INTU (inturned planar cell polarity protein; plus strand). Cytogenetic location: 4q28.1.
Variant type: single nucleotide variant.
Coding change: c.919C>T on transcript NM_015693.4 (MANE Select); coding-DNA position 919, C replaced by T.
Protein change: p.His307Tyr; replaces histidine 307 with tyrosine.
Molecular consequence: missense variant.
Genome position (GRCh38, 1-based): chr4:127,663,531, C>T. VCF-style: chr4-127663531-C-T. GRCh37 (hg19) VCF-style: chr4-128584686-C-T.
Other names: short protein forms H307Y.
Identifiers: ClinVar variation 4739354 (VCV004739354.1).